The following is an entry in ClinVar:

NM_015662.3(IFT172):c.1535A>G (p.Tyr512Cys)

Gene: IFT172 (intraflagellar transport 172; minus strand). Cytogenetic location: 2p23.3.
Variant type: single nucleotide variant.
Coding change: c.1535A>G on transcript NM_015662.3 (MANE Select); coding-DNA position 1535, A replaced by G.
Protein change: p.Tyr512Cys; replaces tyrosine 512 with cysteine.
Molecular consequence: missense variant. On other transcripts: intron variant (1).
Genome position (GRCh38, 1-based): chr2:27,471,085, T>C on the plus strand (A>G on the coding strand, the complement: IFT172 is on the minus strand). VCF-style: chr2-27471085-T-C. GRCh37 (hg19) VCF-style: chr2-27693952-T-C.
Other names: c.1525-56A>G (NM_001410739.1); short protein forms Y512C.
Identifiers: ClinVar variation 3586355 (VCV003586355.2).
Genomic context (GRCh38, chr2:27,471,085, plus strand): 5'-ACCCACTGCATATAGGAGCAGAAGTTGAGGATCATTGTCTTAGAGCAGCTTTCAATATCA[T>C]ACAGATGCAACTGAAGAAAGAAAAGGCAGGTAACACAATTACAAGGGGATGTGGGGTTGT-3'
Protein context (NP_056477.1, residues 502-522): FRDRKLRLHL[Tyr512Cys]DIESCSKTMI

ClinVar aggregate classification (germline): Uncertain significance. Review status: criteria provided, multiple submitters, no conflicts (2 of 4 stars). 2 submissions from 2 submitters: Uncertain significance (2). Last evaluated 2025-06-22.

Conditions:
Short-rib thoracic dysplasia 10 with or without polydactyly (SRTD10). Identifiers: Orphanet 474, MedGen C3810175, MONDO:0014284, OMIM 615630.
Bardet-Biedl syndrome 20. Identifiers: MedGen C4310707, MONDO:0023670, OMIM 619471, MONDO:0014926.
Retinitis pigmentosa 71 (RP71). Identifiers: Orphanet 791, MedGen C4225342, MONDO:0014618, OMIM 616394.

Submissions (2):

Labcorp Genetics (formerly Invitae), Labcorp
Classification: Uncertain significance for Retinitis pigmentosa 71; Short-rib thoracic dysplasia 10 with or without polydactyly. Last evaluated: 2025-06-22. Review status: criteria provided, single submitter. Criteria: Invitae Variant Classification Sherloc (09022015). Collection method: clinical testing. Allele origin: germline.
Comment: This sequence change replaces tyrosine, which is neutral and polar, with cysteine, which is neutral and slightly polar, at codon 512 of the IFT172 protein (p.Tyr512Cys). This variant is not present in population databases (gnomAD no frequency). This variant has not been reported in the literature in individuals affected with IFT172-related conditions. ClinVar contains an entry for this variant (Variation ID: 3586355). Invitae Evidence Modeling of protein sequence and biophysical properties (such as structural, functional, and spatial information, amino acid conservation, physicochemical variation, residue mobility, and thermodynamic stability) has been performed for this missense variant. However, the output from this modeling did not meet the statistical confidence thresholds required to predict the impact of this variant on IFT172 protein function. In summary, the available evidence is currently insufficient to determine the role of this variant in disease. Therefore, it has been classified as a Variant of Uncertain Significance.

Fulgent Genetics
Classification: Uncertain significance for Short-rib thoracic dysplasia 10 with or without polydactyly; Retinitis pigmentosa 71; Bardet-Biedl syndrome 20. Last evaluated: 2023-12-28. Review status: criteria provided, single submitter. Criteria: ACMG Guidelines, 2015. Collection method: clinical testing. Allele origin: germline.